The following is an entry in ClinVar:

NM_000455.5(STK11):c.629G>T (p.Cys210Phe)

Gene: STK11 (serine/threonine kinase 11; plus strand). Cytogenetic location: 19p13.3.
Variant type: single nucleotide variant.
Coding change: c.629G>T on transcript NM_000455.5 (MANE Select); coding-DNA position 629, G replaced by T.
Protein change: p.Cys210Phe; replaces cysteine 210 with phenylalanine.
Molecular consequence: missense variant.
Genome position (GRCh38, 1-based): chr19:1,220,612, G>T. VCF-style: chr19-1220612-G-T. GRCh37 (hg19) VCF-style: chr19-1220611-G-T.
Other names: short protein forms C210F.
Identifiers: ClinVar variation 581971 (VCV000581971.8), dbSNP rs1568708105, ClinGen allele CA402949523.
Genomic context (GRCh38, chr19:1,220,612, plus strand): 5'-TCCCTGAGGGCTGCACGGCACCGCCACAGGCACTGCACCCGTTCGCGGCGGACGACACCT[G>T]CCGGACCAGCCAGGGCTCCCCGGCTTTCCAGCCGCCCGAGATTGCCAACGGCCTGGACAC-3'
Protein context (NP_000446.1, residues 200-220): ALHPFAADDT[Cys210Phe]RTSQGSPAFQ

ClinVar aggregate classification (germline): Uncertain significance (1 of 4 stars; one submission).

Conditions:
Peutz-Jeghers syndrome (PJS). Also called: POLYPOSIS, HAMARTOMATOUS INTESTINAL; POLYPS-AND-SPOTS SYNDROME; Peutz-Jeghers polyposis; Periorificial lentiginosis syndrome. Identifiers: Orphanet 2869, MedGen C0031269, MeSH D010580, MONDO:0008280, OMIM 175200.

Submission:

Labcorp Genetics (formerly Invitae), Labcorp
Classification: Uncertain significance for Peutz-Jeghers syndrome. Last evaluated: 2018-06-08. Review status: criteria provided, single submitter. Criteria: Invitae Variant Classification Sherloc (09022015). Collection method: clinical testing. Allele origin: germline.
Comment: This sequence change replaces cysteine with phenylalanine at codon 210 of the STK11 protein (p.Cys210Phe). The cysteine residue is highly conserved and there is a large physicochemical difference between cysteine and phenylalanine. In summary, the available evidence is currently insufficient to determine the role of this variant in disease. Therefore, it has been classified as a Variant of Uncertain Significance. Algorithms developed to predict the effect of missense changes on protein structure and function (SIFT, PolyPhen-2, Align-GVGD) all suggest that this variant is likely to be disruptive, but these predictions have not been confirmed by published functional studies and their clinical significance is uncertain. This variant has not been reported in the literature in individuals with STK11-related disease. This variant is not present in population databases (ExAC no frequency).